The following is an entry in ClinVar:

ClinVar aggregate classification (germline): Uncertain significance. Review status: criteria provided, multiple submitters, no conflicts (2 of 4 stars). 2 submissions from 2 submitters: Uncertain significance (2). Last evaluated 2025-05-22.

Conditions:
Aortic aneurysm, familial thoracic 4 (AAT4). Also called: AORTIC ANEURYSM/AORTIC DISSECTION AND PATENT DUCTUS ARTERIOSUS. Identifiers: MedGen C1851504, MONDO:0007568, OMIM 132900.
Familial thoracic aortic aneurysm and aortic dissection (TAAD). Also called: Thoracic aortic aneurysms and dissections. Identifiers: Orphanet 91387, MedGen C4707243, MONDO:0019625.

gnomAD v4.1: 1 of 1,609,134 alleles (0.000062%); highest among the groups gnomAD compares: Non-Finnish European, 0.000085%; no homozygotes.

Submissions (2):

Ambry Genetics
Classification: Uncertain significance for Familial thoracic aortic aneurysm and aortic dissection. Last evaluated: 2025-05-22. Review status: criteria provided, single submitter. Criteria: Ambry Variant Classification Scheme 2023. Collection method: clinical testing. Allele origin: germline.
Comment: The p.T413I variant (also known as c.1238C>T), located in coding exon 10 of the MYH11 gene, results from a C to T substitution at nucleotide position 1238. The threonine at codon 413 is replaced by isoleucine, an amino acid with similar properties. This amino acid position is highly conserved in available vertebrate species. In addition, this alteration is predicted to be deleterious by in silico analysis. Based on the available evidence, the clinical significance of this variant remains unclear.

Labcorp Genetics (formerly Invitae), Labcorp
Classification: Uncertain significance for Aortic aneurysm, familial thoracic 4. Last evaluated: 2024-11-26. Review status: criteria provided, single submitter. Criteria: Invitae Variant Classification Sherloc (09022015). Collection method: clinical testing. Allele origin: germline.
Comment: This sequence change replaces threonine, which is neutral and polar, with isoleucine, which is neutral and non-polar, at codon 420 of the MYH11 protein (p.Thr420Ile). This variant is not present in population databases (gnomAD no frequency). This variant has not been reported in the literature in individuals affected with MYH11-related conditions. Invitae Evidence Modeling of protein sequence and biophysical properties (such as structural, functional, and spatial information, amino acid conservation, physicochemical variation, residue mobility, and thermodynamic stability) has been performed for this missense variant. However, the output from this modeling did not meet the statistical confidence thresholds required to predict the impact of this variant on MYH11 protein function. In summary, the available evidence is currently insufficient to determine the role of this variant in disease. Therefore, it has been classified as a Variant of Uncertain Significance.

NM_002474.3(MYH11):c.1238C>T (p.Thr413Ile)

Gene: MYH11 (myosin heavy chain 11; minus strand). Cytogenetic location: 16p13.11.
Variant type: single nucleotide variant.
Coding change: c.1238C>T on transcript NM_002474.3 (MANE Select); coding-DNA position 1238, C replaced by T.
Protein change: p.Thr413Ile; replaces threonine 413 with isoleucine.
Molecular consequence: missense variant.
Genome position (GRCh38, 1-based): chr16:15,760,550, G>A on the plus strand (C>T on the coding strand, the complement: MYH11 is on the minus strand). VCF-style: chr16-15760550-G-A. GRCh37 (hg19) VCF-style: chr16-15854407-G-A.
Other names: c.1259C>T, p.Thr420Ile (NM_001040113.2, NM_001040114.2); c.1238C>T, p.Thr413Ile (NM_022844.3); c.1238C>T (NM_002474.2); short protein forms T420I, T413I.
Identifiers: ClinVar variation 3691807 (VCV003691807.3).